The following is an entry in ClinVar:

ClinVar aggregate classification (germline): Conflicting classifications of pathogenicity. Review status: criteria provided, conflicting classifications (1 of 4 stars). 3 submissions from 3 submitters: Uncertain significance (2); Likely benign (1). Last evaluated 2025-12-08.

Conditions:
Inborn genetic diseases. Identifiers: MedGen C0950123, MeSH D030342.

Allele frequency attached by ClinVar (database versions not stated): gnomAD exomes below 0.00001 and 0.00002; ExAC 0.00003; TOPMed below 0.00001.
gnomAD v4.1: 4 of 1,612,254 alleles (0.00025%); highest among the groups gnomAD compares: East Asian, 0.0089%; no homozygotes.

Submissions (3):

Labcorp Genetics (formerly Invitae), Labcorp
Classification: Likely benign. Last evaluated: 2025-12-08. Review status: criteria provided, single submitter. Criteria: Invitae Variant Classification Sherloc (09022015). Collection method: clinical testing. Allele origin: germline.

Ambry Genetics
Classification: Uncertain significance for Inborn genetic diseases. Last evaluated: 2024-01-31. Review status: criteria provided, single submitter. Criteria: Ambry Variant Classification Scheme 2023. Collection method: clinical testing. Allele origin: germline.

GeneDx
Classification: Uncertain significance. Last evaluated: 2019-12-27. Review status: criteria provided, single submitter. Criteria: GeneDx Variant Classification Process June 2021. Collection method: clinical testing. Allele origin: germline. Affected: yes.
Comment: In silico analysis, which includes protein predictors and evolutionary conservation, supports a deleterious effect; Has not been previously published as pathogenic or benign to our knowledge

NM_032119.4(ADGRV1):c.12767A>T (p.Asn4256Ile)

Gene: ADGRV1 (adhesion G protein-coupled receptor V1; plus strand). Cytogenetic location: 5q14.3.
Variant type: single nucleotide variant.
Coding change: c.12767A>T on transcript NM_032119.4 (MANE Select); coding-DNA position 12767, A replaced by T.
Protein change: p.Asn4256Ile; replaces asparagine 4256 with isoleucine.
Molecular consequence: missense variant. On other transcripts: non-coding transcript variant (1).
Genome position (GRCh38, 1-based): chr5:90,778,527, A>T. VCF-style: chr5-90778527-A-T. GRCh37 (hg19) VCF-style: chr5-90074344-A-T.
Other names: short protein forms N4256I.
Identifiers: ClinVar variation 1317031 (VCV001317031.6), dbSNP rs750752068, ClinGen allele CA3341327.